The following is an entry in ClinVar:

NM_003482.4(KMT2D):c.5677C>T (p.Gln1893Ter)

Gene: KMT2D (lysine methyltransferase 2D; minus strand). Cytogenetic location: 12q13.12.
Variant type: single nucleotide variant.
Coding change: c.5677C>T on transcript NM_003482.4 (MANE Select); coding-DNA position 5677, C replaced by T.
Protein change: p.Gln1893Ter; replaces glutamine 1893 with a stop codon.
Molecular consequence: nonsense.
Genome position (GRCh38, 1-based): chr12:49,042,846, G>A on the plus strand (C>T on the coding strand, the complement: KMT2D is on the minus strand). VCF-style: chr12-49042846-G-A. GRCh37 (hg19) VCF-style: chr12-49436629-G-A.
Other names: short protein forms Q1893*.
Identifiers: ClinVar variation 195960 (VCV000195960.12), dbSNP rs794727420, ClinGen allele CA275138.

ClinVar aggregate classification (germline): Pathogenic. Review status: criteria provided, multiple submitters, no conflicts (2 of 4 stars). 2 submissions from 2 submitters: Pathogenic (2). Last evaluated 2022-02-05.

Conditions:
Kabuki syndrome. Also called: NIIKAWA-KUROKI SYNDROME; Kabuki make-up syndrome. Identifiers: Orphanet 2322, MedGen C0796004, MONDO:0016512.

Submissions (2):

Labcorp Genetics (formerly Invitae), Labcorp
Classification: Pathogenic for Kabuki syndrome. Last evaluated: 2022-02-05. Review status: criteria provided, single submitter. Criteria: Invitae Variant Classification Sherloc (09022015). Collection method: clinical testing. Allele origin: germline.
Comment: This sequence change creates a premature translational stop signal (p.Gln1893*) in the KMT2D gene. It is expected to result in an absent or disrupted protein product. Loss-of-function variants in KMT2D are known to be pathogenic (PMID: 22126750). This variant is not present in population databases (gnomAD no frequency). This premature translational stop signal has been observed in individual(s) with congenital heart disease (PMID: 33084842). ClinVar contains an entry for this variant (Variation ID: 195960). For these reasons, this variant has been classified as Pathogenic.

Eurofins Ntd Llc (ga)
Classification: Pathogenic. Last evaluated: 2014-12-29. Review status: criteria provided, single submitter. Criteria: EGL Classification Definitions 2015. Collection method: clinical testing. Allele origin: germline. Observed: 1 variant allele, 1 heterozygote.

Literature cited by the submitters: PubMed 22126750 (cited by Labcorp Genetics (formerly Invitae), Labcorp); PubMed 33084842 (cited by Labcorp Genetics (formerly Invitae), Labcorp).